The following is an entry in ClinVar:

ClinVar aggregate classification (germline): Uncertain significance (1 of 4 stars; one submission).

Conditions:
Methylmalonic aciduria and homocystinuria type cblD (MAHCD). Also called: METHYLMALONIC ACIDEMIA, cblH TYPE; Methylmalonic aciduria with homocystinuria cblD type. Identifiers: Orphanet 622, Orphanet 79283, MedGen C1848552, MONDO:0010185, OMIM 277410.

Submission:

Labcorp Genetics (formerly Invitae), Labcorp
Classification: Uncertain significance for Methylmalonic aciduria and homocystinuria type cblD. Last evaluated: 2022-02-02. Review status: criteria provided, single submitter. Criteria: Invitae Variant Classification Sherloc (09022015). Collection method: clinical testing. Allele origin: germline.
Comment: This sequence change replaces glycine, which is neutral and non-polar, with arginine, which is basic and polar, at codon 66 of the MMADHC protein (p.Gly66Arg). This variant is not present in population databases (gnomAD no frequency). This variant has not been reported in the literature in individuals affected with MMADHC-related conditions. Algorithms developed to predict the effect of missense changes on protein structure and function are either unavailable or do not agree on the potential impact of this missense change (SIFT: "Deleterious"; PolyPhen-2: "Probably Damaging"; Align-GVGD: "Class C15"). Algorithms developed to predict the effect of sequence changes on RNA splicing suggest that this variant may create or strengthen a splice site. In summary, the available evidence is currently insufficient to determine the role of this variant in disease. Therefore, it has been classified as a Variant of Uncertain Significance.

NM_015702.3(MMADHC):c.196G>A (p.Gly66Arg)

Gene: MMADHC (metabolism of cobalamin associated D; minus strand). Cytogenetic location: 2q23.2.
Variant type: single nucleotide variant.
Coding change: c.196G>A on transcript NM_015702.3 (MANE Select); coding-DNA position 196, G replaced by A.
Protein change: p.Gly66Arg; replaces glycine 66 with arginine.
Molecular consequence: missense variant.
Genome position (GRCh38, 1-based): chr2:149,579,607, C>T on the plus strand (G>A on the coding strand, the complement: MMADHC is on the minus strand). VCF-style: chr2-149579607-C-T. GRCh37 (hg19) VCF-style: chr2-150436121-C-T.
Other names: short protein forms G66R.
Identifiers: ClinVar variation 1433715 (VCV001433715.8), dbSNP rs1334273037, ClinGen allele CA348870867.